The following is an entry in ClinVar:

ClinVar aggregate classification (germline): Uncertain significance. Review status: criteria provided, multiple submitters, no conflicts (2 of 4 stars). 2 submissions from 2 submitters: Uncertain significance (2). Last evaluated 2025-04-22.

Conditions:
SGCB-related disorder. Also called: SGCB-related condition.

Allele frequency attached by ClinVar (database versions not stated): gnomAD exomes 0.00001; TOPMed 0.00001; gnomAD 0.00002.
gnomAD v4.1: 23 of 1,611,546 alleles (0.0014%); highest among the groups gnomAD compares: Non-Finnish European, 0.0018%; no homozygotes.

Submissions (2):

GeneDx
Classification: Uncertain significance. Last evaluated: 2025-04-22. Review status: criteria provided, single submitter. Criteria: GeneDx Variant Classification Process June 2021. Collection method: clinical testing. Allele origin: germline. Affected: yes.
Comment: Not observed at significant frequency in large population cohorts (gnomAD); Missense variants in this gene are a common cause of disease and they are underrepresented in the general population; In silico analysis indicates that this missense variant does not alter protein structure/function; Has not been previously published as pathogenic or benign to our knowledge

PreventionGenetics, part of Exact Sciences
Classification: Uncertain significance for SGCB-related condition. Last evaluated: 2023-05-25. Review status: criteria provided, single submitter. Criteria: ACMG Guidelines, 2015. Collection method: clinical testing. Allele origin: germline.
Comment: The SGCB c.431T>C variant is predicted to result in the amino acid substitution p.Ile144Thr. To our knowledge, this variant has not been reported in the literature. This variant is reported in 0.0039% of alleles in individuals of European (Non-Finnish) descent in gnomAD. At this time, the clinical significance of this variant is uncertain due to the absence of conclusive functional and genetic evidence.

NM_000232.5(SGCB):c.431T>C (p.Ile144Thr)

Gene: SGCB (sarcoglycan beta; minus strand). Cytogenetic location: 4q12.
Variant type: single nucleotide variant.
Coding change: c.431T>C on transcript NM_000232.5 (MANE Select); coding-DNA position 431, T replaced by C.
Protein change: p.Ile144Thr; replaces isoleucine 144 with threonine.
Molecular consequence: missense variant.
Genome position (GRCh38, 1-based): chr4:52,028,920, A>G on the plus strand (T>C on the coding strand, the complement: SGCB is on the minus strand). VCF-style: chr4-52028920-A-G. GRCh37 (hg19) VCF-style: chr4-52895086-A-G.
Other names: short protein forms I144T.
Identifiers: ClinVar variation 2636601 (VCV002636601.2), dbSNP rs147995730, ClinGen allele CA2918388.